The following is an entry in ClinVar:

NM_001323289.2(CDKL5):c.2372A>C (p.Gln791Pro)

Gene: CDKL5 (cyclin dependent kinase like 5; plus strand). Cytogenetic location: Xp22.13.
Variant type: single nucleotide variant.
Coding change: c.2372A>C on transcript NM_001323289.2 (MANE Select); coding-DNA position 2372, A replaced by C.
Protein change: p.Gln791Pro; replaces glutamine 791 with proline.
Molecular consequence: missense variant.
Genome position (GRCh38, 1-based): chrX:18,619,962, A>C. VCF-style: chrX-18619962-A-C. GRCh37 (hg19) VCF-style: chrX-18638082-A-C.
Other names: p.Q791P:CAA>CCA; NM_001323289.2(CDKL5):c.2372A>C; c.2372A>C, p.Gln791Pro (NM_001037343.2, NM_003159.3); short protein forms Q791P.
Identifiers: ClinVar variation 136713 (VCV000136713.33), dbSNP rs35478150, ClinGen allele CA213376.
Genomic context (GRCh38, chrX:18,619,962, plus strand): 5'-TCAAGGAAAAAGAGAAGCAAGGATTTTTCAGGTCAATGAAAAAGAAAAAGAAGAAATCTC[A>C]AACAGTAAGTAGATGACCAGTTTCTATATATAATAACATGTTTCTGCATTATTCAATGGA-3'
Protein context (NP_001310218.1, residues 781-801): RSMKKKKKKS[Gln791Pro]TVPNSDSPDL

ClinVar aggregate classification (germline): Benign. Review status: criteria provided, multiple submitters, no conflicts (2 of 4 stars). 15 submissions from 15 submitters: Benign (11). 4 of the submissions do not count toward it. Last evaluated 2026-02-03.

Conditions:
CDKL5 disorder. Identifiers: MedGen CN296942, MONDO:0100039.
History of neurodevelopmental disorder. Identifiers: MedGen C2711754.
Angelman syndrome-like. Identifiers: MedGen CN128785.
Developmental and epileptic encephalopathy, 2 (DEE2). Also called: CDKL5 deficiency disorder; INFANTILE SPASM SYNDROME, X-LINKED 2. Identifiers: Orphanet 1934, Orphanet 3451, Orphanet 505652, MedGen C4750718, MONDO:0010396, OMIM 300672.

Allele frequency attached by ClinVar (database versions not stated): 1000 Genomes Project 0.01669; ESP Exome Variant Server 0.03308; ExAC 0.03976; gnomAD exomes 0.04533 and 0.03127; 1000 Genomes Project 30x 0.01748; TOPMed 0.03100; gnomAD 0.03213 and 0.03249.
gnomAD v4.1: 49,457 of 1,127,311 alleles (4.4%); highest among the groups gnomAD compares: Non-Finnish European, 5.3%; 931 homozygotes.

Submissions (15):

Labcorp Genetics (formerly Invitae), Labcorp
Classification: Benign for Developmental and epileptic encephalopathy, 2; Angelman syndrome-like. Last evaluated: 2026-02-03. Review status: criteria provided, single submitter. Criteria: Invitae Variant Classification Sherloc (09022015). Collection method: clinical testing. Allele origin: germline.

Blueprint Genetics
Classification: Benign. Last evaluated: 2024-11-28. Review status: criteria provided, single submitter. Criteria: ACMG Guidelines, 2015. Collection method: clinical testing. Allele origin: germline.

Centre for Population Genomics, CPG
Classification: Benign for CDKL5 disorder. Last evaluated: 2024-09-16. Review status: criteria provided, single submitter. Criteria: McKnight et al. (Hum Mutat. 2022). Collection method: curation. Allele origin: germline. Inheritance: X-linked inheritance.
Comment: This variant has been collected from RettBASE and curated to current modified ACMG/AMP criteria. Based on the classification scheme defined by the ClinGen Rett/Angelman-like Expert Panel for Rett/AS-like Disorders Specifications to the ACMG/AMP Variant Interpretation Guidelines VCEP 3.0, this variant is classified as benign. At least the following criteria are met: The allele frequency of this variant in at least one population in gnomAD is higher than the 0.03% threshold defined by the ClinGen Rett/Angelman-like Expert Panel for Rett/AS-like Disorders VCEP 3.0 (BA1).

Genome-Nilou Lab
Classification: Benign for Developmental and epileptic encephalopathy, 2. Last evaluated: 2021-07-22. Review status: criteria provided, single submitter. Criteria: ACMG Guidelines, 2015. Collection method: clinical testing. Allele origin: germline. Affected: no.

Mayo Clinic Laboratories, Mayo Clinic
Classification: Benign. Last evaluated: 2018-04-10. Review status: criteria provided, single submitter. Criteria: ACMG Guidelines, 2015. Collection method: clinical testing. Allele origin: germline. Observed: 51 variant alleles.

Eurofins Ntd Llc (ga)
Classification: Benign. Last evaluated: 2015-08-20. Review status: criteria provided, single submitter. Criteria: EGL Classification Definitions 2015. Collection method: clinical testing. Allele origin: germline. Observed: 2 variant alleles, 2 heterozygotes.

Ambry Genetics
Classification: Benign for History of neurodevelopmental disorder. Last evaluated: 2015-06-25. Review status: criteria provided, single submitter. Criteria: Ambry Autosomal Dominant and X-Linked criteria (10/2015). Collection method: clinical testing. Allele origin: germline. Observed: 1 variant allele.

Genetic Services Laboratory, University of Chicago
Classification: Benign. Last evaluated: 2013-02-08. Review status: criteria provided, single submitter. Criteria: ACMG Guidelines, 2007. Collection method: clinical testing. Allele origin: germline. Inheritance: X-linked inheritance.

GeneDx
Classification: Benign. Last evaluated: 2012-03-23. Review status: criteria provided, single submitter. Criteria: GeneDx Variant Classification (06012015). Collection method: clinical testing. Allele origin: germline. Affected: yes.
Comment: This variant is considered likely benign or benign based on one or more of the following criteria: it is a conservative change, it occurs at a poorly conserved position in the protein, it is predicted to be benign by multiple in silico algorithms, and/or has population frequency not consistent with disease.

Breakthrough Genomics
Classification: Benign. Review status: criteria provided, single submitter. Criteria: ACMG Guidelines, 2015. Collection method: not provided. Allele origin: germline. Inheritance: X-linked inheritance. Affected: yes.

PreventionGenetics, part of Exact Sciences
Classification: Benign. Review status: criteria provided, single submitter. Criteria: ACMG Guidelines, 2015. Collection method: clinical testing. Allele origin: germline.

Genomic Diagnostic Laboratory, Division of Genomic Diagnostics, Children's Hospital of Philadelphia
Classification: Benign. Last evaluated: 2015-02-13. Review status: no assertion criteria provided. Collection method: clinical testing. Allele origin: germline. Not counted in ClinVar's aggregate classification.

RettBASE
Classification: Benign. Last evaluated: 2014-05-15. Review status: no assertion criteria provided. Collection method: curation. Allele origin: unknown, paternal, maternal. Observed: 73 variant alleles. Not counted in ClinVar's aggregate classification.
Comment: Common polymorphism

Genome Diagnostics Laboratory, University Medical Center Utrecht
Classification: Benign. Review status: no assertion criteria provided. Collection method: clinical testing. Allele origin: germline. Affected: yes. Study: VKGL Data-share Consensus. Not counted in ClinVar's aggregate classification.

Joint Genome Diagnostic Labs from Nijmegen and Maastricht, Radboudumc and MUMC+
Classification: Benign. Review status: no assertion criteria provided. Collection method: clinical testing. Allele origin: germline. Affected: yes. Study: VKGL Data-share Consensus. Not counted in ClinVar's aggregate classification.

Literature cited by the submitters: PubMed 15499549 (cited by RettBASE); PubMed 19564592 (cited by RettBASE); PubMed 19241098 (cited by RettBASE); PubMed 20397747 (cited by RettBASE); PubMed 20479760 (cited by RettBASE); PubMed 21160487 (cited by RettBASE).